The following is an entry in ClinVar:

ClinVar aggregate classification (germline): Uncertain significance (1 of 4 stars; one submission).

gnomAD v4.1: 1 of 1,573,830 alleles (0.000064%); highest among the groups gnomAD compares: Non-Finnish European, 0.000086%; no homozygotes.

Submission:

Labcorp Genetics (formerly Invitae), Labcorp
Classification: Uncertain significance. Last evaluated: 2024-05-31. Review status: criteria provided, single submitter. Criteria: Invitae Variant Classification Sherloc (09022015). Collection method: clinical testing. Allele origin: germline.
Comment: This sequence change replaces lysine, which is basic and polar, with arginine, which is basic and polar, at codon 297 of the POLD2 protein (p.Lys297Arg). This variant is not present in population databases (gnomAD no frequency). This variant has not been reported in the literature in individuals affected with POLD2-related conditions. Experimental studies and prediction algorithms are not available or were not evaluated, and the functional significance of this variant is currently unknown. In summary, the available evidence is currently insufficient to determine the role of this variant in disease. Therefore, it has been classified as a Variant of Uncertain Significance.

NM_006230.4(POLD2):c.785A>G (p.Lys262Arg)

Gene: POLD2 (DNA polymerase delta 2, accessory subunit; minus strand). Cytogenetic location: 7p13.
Variant type: single nucleotide variant.
Coding change: c.785A>G on transcript NM_006230.4 (MANE Select); coding-DNA position 785, A replaced by G.
Protein change: p.Lys262Arg; replaces lysine 262 with arginine.
Molecular consequence: missense variant.
Genome position (GRCh38, 1-based): chr7:44,116,506, T>C on the plus strand (A>G on the coding strand, the complement: POLD2 is on the minus strand). VCF-style: chr7-44116506-T-C. GRCh37 (hg19) VCF-style: chr7-44156105-T-C.
Other names: c.785A>G, p.Lys262Arg (NM_001127218.3, NM_001256879.2); short protein forms K262R.
Identifiers: ClinVar variation 3655138 (VCV003655138.2).
Genomic context (GRCh38, chr7:44,116,506, plus strand): 5'-ATCTCATCCAGCATCTTAACAGCCTCCACGCTGGCTGCCTGGGTTTTCTTGGTGAGGTAT[T>C]TGGCCTGGAATAGAAGCCCAGAAGGCCATCAGGCCCAGGCGAGTCCCAGGCTCAGAGGAG-3'
Protein context (NP_006221.3, residues 252-272): TQSRDSINKA[Lys262Arg]YLTKKTQAAS